The following is an entry in ClinVar:

ClinVar aggregate classification (germline): Uncertain significance (1 of 4 stars; one submission).

gnomAD v4.1: 1 of 1,612,810 alleles (0.000062%); highest among the groups gnomAD compares: Middle Eastern, 0.017%; no homozygotes.

Submission:

Labcorp Genetics (formerly Invitae), Labcorp
Classification: Uncertain significance. Last evaluated: 2024-06-08. Review status: criteria provided, single submitter. Criteria: Invitae Variant Classification Sherloc (09022015). Collection method: clinical testing. Allele origin: germline.
Comment: This sequence change replaces glutamine, which is neutral and polar, with lysine, which is basic and polar, at codon 3404 of the HMCN1 protein (p.Gln3404Lys). This variant is not present in population databases (gnomAD no frequency). This variant has not been reported in the literature in individuals affected with HMCN1-related conditions. An algorithm developed to predict the effect of missense changes on protein structure and function (PolyPhen-2) suggests that this variant is likely to be disruptive. In summary, the available evidence is currently insufficient to determine the role of this variant in disease. Therefore, it has been classified as a Variant of Uncertain Significance.

NM_031935.3(HMCN1):c.10210C>A (p.Gln3404Lys)

Gene: HMCN1 (hemicentin 1; plus strand). Cytogenetic location: 1q31.1.
Variant type: single nucleotide variant.
Coding change: c.10210C>A on transcript NM_031935.3 (MANE Select); coding-DNA position 10210, C replaced by A.
Protein change: p.Gln3404Lys; replaces glutamine 3404 with lysine.
Molecular consequence: missense variant.
Genome position (GRCh38, 1-based): chr1:186,094,289, C>A. VCF-style: chr1-186094289-C-A. GRCh37 (hg19) VCF-style: chr1-186063421-C-A.
Other names: short protein forms Q3404K.
Identifiers: ClinVar variation 3620345 (VCV003620345.2).